The following is an entry in ClinVar:

NM_173076.3(ABCA12):c.4540C>T (p.Arg1514Cys)

Gene: ABCA12 (ATP binding cassette subfamily A member 12; minus strand). Cytogenetic location: 2q35.
Variant type: single nucleotide variant.
Coding change: c.4540C>T on transcript NM_173076.3 (MANE Select); coding-DNA position 4540, C replaced by T.
Protein change: p.Arg1514Cys; replaces arginine 1514 with cysteine.
Molecular consequence: missense variant. On other transcripts: non-coding transcript variant (1).
Genome position (GRCh38, 1-based): chr2:214,982,226, G>A on the plus strand (C>T on the coding strand, the complement: ABCA12 is on the minus strand). VCF-style: chr2-214982226-G-A. GRCh37 (hg19) VCF-style: chr2-215846950-G-A.
Other names: c.3586C>T, p.Arg1196Cys (NM_015657.4); short protein forms R1196C, R1514C.
Identifiers: ClinVar variation 1526238 (VCV001526238.5), dbSNP rs1266760446, ClinGen allele CA350461712.

ClinVar aggregate classification (germline): Pathogenic. Review status: criteria provided, multiple submitters, no conflicts (2 of 4 stars). 3 submissions from 3 submitters: Pathogenic (2). 1 of the submissions does not count toward it. Last evaluated 2024-10-18.

Conditions:
Lamellar ichthyosis. Identifiers: Orphanet 313, MedGen C5848247, MONDO:0017778.
Autosomal recessive congenital ichthyosis 4A (LI2). Also called: ICHTHYOSIS CONGENITA IIB. Identifiers: Orphanet 313, MedGen C1832550, MONDO:0011026, OMIM 601277.

Allele frequency attached by ClinVar (database versions not stated): gnomAD exomes below 0.00001; TOPMed 0.00001.
gnomAD v4.1: 4 of 1,613,844 alleles (0.00025%); highest among the groups gnomAD compares: South Asian, 0.0011%; no homozygotes.

Submissions (3):

Women's Health and Genetics/Laboratory Corporation of America, LabCorp
Classification: Pathogenic for Lamellar ichthyosis. Last evaluated: 2024-10-18. Review status: criteria provided, single submitter. Criteria: LabCorp Variant Classification Summary - May 2015. Collection method: clinical testing. Allele origin: germline.
Comment: Variant summary: ABCA12 c.4540C>T (p.Arg1514Cys) results in a non-conservative amino acid change located in the ABC transporter-like, ATP-binding domain (IPR003439) of the encoded protein sequence. Five of five in-silico tools predict a damaging effect of the variant on protein function. The variant was absent in 251174 control chromosomes. c.4540C>T has been reported in the literature in individuals affected with Lamellar Ichthyosis and related conditions (Hotz_2023). These data indicate that the variant is likely to be associated with disease. A different variant affecting the same codon has been classified as pathogenic by our lab (c.4541G>A, p.Arg1514His), supporting the critical relevance of codon 1514 to ABCA12 protein function. To our knowledge, no experimental evidence demonstrating an impact on protein function has been reported. The following publication have been ascertained in the context of this evaluation (PMID: 36980989). ClinVar contains an entry for this variant (Variation ID: 1526238). Based on the evidence outlined above, the variant was classified as pathogenic.

Labcorp Genetics (formerly Invitae), Labcorp
Classification: Pathogenic. Last evaluated: 2024-02-09. Review status: criteria provided, single submitter. Criteria: Invitae Variant Classification Sherloc (09022015). Collection method: clinical testing. Allele origin: germline.
Comment: This sequence change replaces arginine, which is basic and polar, with cysteine, which is neutral and slightly polar, at codon 1514 of the ABCA12 protein (p.Arg1514Cys). This variant is not present in population databases (gnomAD no frequency). This missense change has been observed in individuals with congenital ichthyosis (PMID: 36980989). ClinVar contains an entry for this variant (Variation ID: 1526238). Advanced modeling of protein sequence and biophysical properties (such as structural, functional, and spatial information, amino acid conservation, physicochemical variation, residue mobility, and thermodynamic stability) performed at Invitae indicates that this missense variant is expected to disrupt ABCA12 protein function with a positive predictive value of 80%. Algorithms developed to predict the effect of sequence changes on RNA splicing suggest that this variant may disrupt the consensus splice site. This variant disrupts the p.Arg1514 amino acid residue in ABCA12. Other variant(s) that disrupt this residue have been determined to be pathogenic (PMID: 36980989). This suggests that this residue is clinically significant, and that variants that disrupt this residue are likely to be disease-causing. For these reasons, this variant has been classified as Pathogenic.

3billion
Classification: Uncertain significance for Autosomal recessive congenital ichthyosis 4A. Last evaluated: 2022-03-22. Review status: flagged submission. Criteria: ACMG Guidelines, 2015. Collection method: clinical testing. Allele origin: germline. Affected: yes. Observed: 1 heterozygote. Not counted in ClinVar's aggregate classification.
Comment: The variant is absent from the gnomAD v2.1.1 dataset. Different pathogenic/likely pathogenic amino acid change has been reported with supporting evidence at the same codon (ClinVar ID: VCV000002857, PMID:30600594,12915478). In silico tool predictions suggest damaging effect of the variant on gene or gene product (REVEL: 0.863>=0.6, 3CNET: 0.968>=0.75). Therefore, this variant is classified as uncertain significance according to the recommendation of ACMG/AMP guideline.
ClinVar note: Notes: Claim does not cite an article that includes case-level data as well as evidence for other variants at this residue, while both pathogenic submissions cite the article.
ClinVar note: Reason: Older claim that does not account for recent evidence

Literature cited by the submitters: PubMed 36980989 (cited by Women's Health and Genetics/Laboratory Corporation of America, LabCorp and Labcorp Genetics (formerly Invitae), Labcorp); PubMed 30600594 (cited by 3billion); PubMed 12915478 (cited by 3billion).